The following is an entry in ClinVar:

NM_001318734.2(KLC2):c.60C>T (p.Gly20=)

Gene: KLC2 (kinesin light chain 2; plus strand). Cytogenetic location: 11q13.2.
Variant type: single nucleotide variant.
Coding change: c.60C>T on transcript NM_001318734.2 (MANE Select); coding-DNA position 60, C replaced by T.
Protein change: p.Gly20=; no amino-acid change (glycine 20 retained).
Molecular consequence: synonymous variant.
Genome position (GRCh38, 1-based): chr11:66,258,654, C>T. VCF-style: chr11-66258654-C-T. GRCh37 (hg19) VCF-style: chr11-66026125-C-T.
Other names: c.60C>T, p.Gly20= (NM_001134774.2, NM_001134775.2, NM_001134776.2 and 1 more transcripts).
Identifiers: ClinVar variation 2641982 (VCV002641982.24), dbSNP rs762621170, ClinGen allele CA475317339.

ClinVar aggregate classification (germline): Likely benign (1 of 4 stars; one submission).

gnomAD v4.1: 5 of 1,614,074 alleles (0.00031%); highest among the groups gnomAD compares: Non-Finnish European, 0.00042%; no homozygotes.

Submission:

CeGaT Center for Human Genetics Tuebingen
Classification: Likely benign. Last evaluated: 2022-11-01. Review status: criteria provided, single submitter. Criteria: CeGaT Center For Human Genetics Tuebingen Variant Classification Criteria Version 2. Collection method: clinical testing. Allele origin: germline. Affected: yes. Observed: 1 variant allele.
Comment: KLC2: PM2:Supporting, BP4, BP7